The following is an entry in ClinVar:

NM_001374736.1(DST):c.17818G>A (p.Glu5940Lys)

Gene: DST (dystonin; minus strand). Cytogenetic location: 6p12.1.
Variant type: single nucleotide variant.
Coding change: c.17818G>A on transcript NM_001374736.1 (MANE Select); coding-DNA position 17818, G replaced by A.
Protein change: p.Glu5940Lys; replaces glutamic acid 5940 with lysine.
Molecular consequence: missense variant.
Genome position (GRCh38, 1-based): chr6:56,527,597, C>T on the plus strand (G>A on the coding strand, the complement: DST is on the minus strand). VCF-style: chr6-56527597-C-T. GRCh37 (hg19) VCF-style: chr6-56392395-C-T.
Other names: c.11461G>A, p.Glu3821Lys (NM_001144769.5); c.11047G>A, p.Glu3683Lys (NM_001144770.2); c.17818G>A, p.Glu5940Lys (NM_001374722.1); c.16858G>A, p.Glu5620Lys (NM_001374729.1); c.10600G>A, p.Glu3534Lys (NM_001374730.1); c.17845G>A, p.Glu5949Lys (NM_001374734.1); c.10927G>A, p.Glu3643Lys (NM_001386100.1, NM_183380.4); c.9949G>A, p.Glu3317Lys (NM_015548.5); short protein forms E3643K, E3683K, E5620K, E3534K, E3317K, E3821K, E5940K, E5949K.
Identifiers: ClinVar variation 2153773 (VCV002153773.4), dbSNP rs781309362, ClinGen allele CA3867356.

ClinVar aggregate classification (germline): Uncertain significance (1 of 4 stars; one submission).

Conditions:
Hereditary sensory and autonomic neuropathy type 6. Also called: HSAN VI; Neuropathy, hereditary sensory and autonomic, type VI. Identifiers: Orphanet 314381, MedGen C3539003, MONDO:0013839, OMIM 614653.
Epidermolysis bullosa simplex 3, localized or generalized intermediate, with BP230 deficiency (EBS3). Also called: Epidermolysis bullosa simplex due to BP230 deficiency; Epidermolysis bullosa simplex, autosomal recessive 2. Identifiers: Orphanet 412181, MedGen C3809470, MONDO:0014180, OMIM 615425.

Allele frequency attached by ClinVar (database versions not stated): gnomAD 0.00001; TOPMed 0.00002.
gnomAD v4.1: 11 of 1,613,706 alleles (0.00068%); highest among the groups gnomAD compares: East Asian, 0.0022%; no homozygotes.

Submission:

Labcorp Genetics (formerly Invitae), Labcorp
Classification: Uncertain significance for Epidermolysis bullosa simplex 3, localized or generalized intermediate, with BP230 deficiency; Hereditary sensory and autonomic neuropathy type 6. Last evaluated: 2023-12-20. Review status: criteria provided, single submitter. Criteria: Invitae Variant Classification Sherloc (09022015). Collection method: clinical testing. Allele origin: germline.
Comment: The DST gene has multiple clinically relevant transcripts. This variant occurs in alternate transcript NM_015548.4, and corresponds to NM_001723.5: c.*87920G>A in the primary transcript. This sequence change replaces glutamic acid, which is acidic and polar, with lysine, which is basic and polar, at codon 3317 of the DST protein (p.Glu3317Lys). This variant is present in population databases (rs781309362, gnomAD 0.002%). This variant has not been reported in the literature in individuals affected with DST-related conditions. Experimental studies and prediction algorithms are not available or were not evaluated, and the functional significance of this variant is currently unknown. In summary, the available evidence is currently insufficient to determine the role of this variant in disease. Therefore, it has been classified as a Variant of Uncertain Significance.